The following is an entry in ClinVar:

NM_017617.5(NOTCH1):c.7513C>T (p.Pro2505Ser)

Gene: NOTCH1 (notch receptor 1; minus strand). Cytogenetic location: 9q34.3.
Variant type: single nucleotide variant.
Coding change: c.7513C>T on transcript NM_017617.5 (MANE Select); coding-DNA position 7513, C replaced by T.
Protein change: p.Pro2505Ser; replaces proline 2505 with serine.
Molecular consequence: missense variant.
Genome position (GRCh38, 1-based): chr9:136,496,226, G>A on the plus strand (C>T on the coding strand, the complement: NOTCH1 is on the minus strand). VCF-style: chr9-136496226-G-A. GRCh37 (hg19) VCF-style: chr9-139390678-G-A.
Other names: short protein forms P2505S.
Identifiers: ClinVar variation 4687057 (VCV004687057.1).
Genomic context (GRCh38, chr9:136,496,226, plus strand): 5'-GGGACGAGCTGGACCACTGGTCAGGGGACTCAGGGGACGGGGTGAGGAAGGGGTGCTCAG[G>A]CACCTGTAGCTGGTGGCTGGGGGTGTTGTCCACAGGCGAGGAGTAGCTGTGCTGCGAGGG-3'
Protein context (NP_060087.3, residues 2495-2515): DNTPSHQLQV[Pro2505Ser]EHPFLTPSPE

ClinVar aggregate classification (germline): Uncertain significance (1 of 4 stars; one submission).

Submission:

GeneDx
Classification: Uncertain significance. Last evaluated: 2025-07-24. Review status: criteria provided, single submitter. Criteria: GeneDx Variant Classification Process June 2021. Collection method: clinical testing. Allele origin: germline. Affected: yes.
Comment: Not observed at significant frequency in large population cohorts (gnomAD); In silico analysis supports that this missense variant has a deleterious effect on protein structure/function; Has not been previously published as pathogenic or benign to our knowledge